The following is an entry in ClinVar:

NM_014727.3(KMT2B):c.2647C>T (p.Arg883Trp)

Gene: KMT2B (lysine methyltransferase 2B; plus strand). Cytogenetic location: 19q13.12.
Variant type: single nucleotide variant.
Coding change: c.2647C>T on transcript NM_014727.3 (MANE Select); coding-DNA position 2647, C replaced by T.
Protein change: p.Arg883Trp; replaces arginine 883 with tryptophan.
Molecular consequence: missense variant.
Genome position (GRCh38, 1-based): chr19:35,722,643, C>T. VCF-style: chr19-35722643-C-T. GRCh37 (hg19) VCF-style: chr19-36213545-C-T.
Other names: short protein forms R883W.
Identifiers: ClinVar variation 5020518 (VCV005020518.1).

ClinVar aggregate classification (germline): Uncertain significance (1 of 4 stars; one submission).

gnomAD v4.1: 13 of 1,612,678 alleles (0.00081%); highest among the groups gnomAD compares: South Asian, 0.0033%; no homozygotes.

Submission:

Dasa
Classification: Uncertain significance. Last evaluated: 2026-05-21. Review status: criteria provided, single submitter. Criteria: DASA Assertion Criteria. Collection method: clinical testing. Allele origin: germline.
Comment: NM_014727.3(KMT2B):c.2647C>T (p.Arg883Trp) is a missense variant that results in the substitution of arginine with tryptophan. This variant is rare in population databases. Computational prediction algorithms are consistent with a deleterious effect. The currently available literature and clinical evidence are not sufficient to establish a definitive association between this variant and the reported condition. Therefore, this variant is classified as a variant of uncertain significance.